The following is an entry in ClinVar:

ClinVar aggregate classification (germline): Uncertain significance (1 of 4 stars; one submission).

Submission:

GeneDx
Classification: Uncertain significance. Last evaluated: 2022-07-12. Review status: criteria provided, single submitter. Criteria: GeneDx Variant Classification Process June 2021. Collection method: clinical testing. Allele origin: germline. Affected: yes.
Comment: Not observed at significant frequency in large population cohorts (gnomAD); In silico analysis supports that this missense variant does not alter protein structure/function; Has not been previously published as pathogenic or benign to our knowledge

NM_001080517.3(SETD5):c.4285C>T (p.Pro1429Ser)

Gene: SETD5 (SET domain containing 5; plus strand). Cytogenetic location: 3p25.3.
Variant type: single nucleotide variant.
Coding change: c.4285C>T on transcript NM_001080517.3 (MANE Select); coding-DNA position 4285, C replaced by T.
Protein change: p.Pro1429Ser; replaces proline 1429 with serine.
Molecular consequence: missense variant.
Genome position (GRCh38, 1-based): chr3:9,476,047, C>T. VCF-style: chr3-9476047-C-T. GRCh37 (hg19) VCF-style: chr3-9517731-C-T.
Other names: c.3991C>T, p.Pro1331Ser (NM_001292043.2, NM_001349451.2); short protein forms P1331S, P1429S.
Identifiers: ClinVar variation 1878759 (VCV001878759.1), dbSNP rs2473996223, ClinGen allele CA351695575.